The following is an entry in ClinVar:

ClinVar aggregate classification (germline): Likely benign. Review status: criteria provided, multiple submitters, no conflicts (2 of 4 stars). 2 submissions from 2 submitters: Likely benign (2). Last evaluated 2025-08-29.

Allele frequency attached by ClinVar (database versions not stated): TOPMed 0.00002; gnomAD 0.00003; gnomAD exomes 0.00003; ExAC 0.00004.
gnomAD v4.1: 42 of 1,614,132 alleles (0.0026%); highest among the groups gnomAD compares: Non-Finnish European, 0.0034%; no homozygotes.

Submissions (2):

Labcorp Genetics (formerly Invitae), Labcorp
Classification: Likely benign. Last evaluated: 2025-08-29. Review status: criteria provided, single submitter. Criteria: Invitae Variant Classification Sherloc (09022015). Collection method: clinical testing. Allele origin: germline.

CeGaT Center for Human Genetics Tuebingen
Classification: Likely benign. Last evaluated: 2025-03-01. Review status: criteria provided, single submitter. Criteria: CeGaT Center For Human Genetics Tuebingen Variant Classification Criteria Version 2. Collection method: clinical testing. Allele origin: germline. Affected: yes. Observed: 1 variant allele.
Comment: KCNQ5: BP4, BP7

NM_019842.4(KCNQ5):c.2109C>T (p.Tyr703=)

Gene: KCNQ5 (potassium voltage-gated channel subfamily Q member 5; plus strand). Cytogenetic location: 6q13.
Variant type: single nucleotide variant.
Coding change: c.2109C>T on transcript NM_019842.4 (MANE Select); coding-DNA position 2109, C replaced by T.
Protein change: p.Tyr703=; no amino-acid change (tyrosine 703 retained).
Molecular consequence: synonymous variant.
Genome position (GRCh38, 1-based): chr6:73,194,724, C>T. VCF-style: chr6-73194724-C-T. GRCh37 (hg19) VCF-style: chr6-73904447-C-T.
Other names: c.2082C>T, p.Tyr694= (NM_001160130.2); c.2139C>T, p.Tyr713= (NM_001160132.2); c.2166C>T, p.Tyr722= (NM_001160133.2); c.1779C>T, p.Tyr593= (NM_001160134.2).
Identifiers: ClinVar variation 1597266 (VCV001597266.15), dbSNP rs746516968, ClinGen allele CA3887209.